The following is an entry in ClinVar:

NM_020631.6(PLEKHG5):c.1256G>A (p.Gly419Glu)

Gene: PLEKHG5 (pleckstrin homology and RhoGEF domain containing G5; minus strand). Cytogenetic location: 1p36.31.
Variant type: single nucleotide variant.
Coding change: c.1256G>A on transcript NM_020631.6 (MANE Select); coding-DNA position 1256, G replaced by A.
Protein change: p.Gly419Glu; replaces glycine 419 with glutamic acid.
Molecular consequence: missense variant.
Genome position (GRCh38, 1-based): chr1:6,471,513, C>T on the plus strand (G>A on the coding strand, the complement: PLEKHG5 is on the minus strand). VCF-style: chr1-6471513-C-T. GRCh37 (hg19) VCF-style: chr1-6531573-C-T.
Other names: c.1367G>A, p.Gly456Glu (NM_001042663.3, NM_001265592.2); c.1256G>A, p.Gly419Glu (NM_001042664.2, NM_001042665.2, NM_001265594.3 and 1 more transcripts); c.1463G>A, p.Gly488Glu (NM_001265593.2); short protein forms G488E, G419E, G456E.
Identifiers: ClinVar variation 1386677 (VCV001386677.7), dbSNP rs768648425, ClinGen allele CA561590.

ClinVar aggregate classification (germline): Uncertain significance. Review status: criteria provided, multiple submitters, no conflicts (2 of 4 stars). 2 submissions from 2 submitters: Uncertain significance (2). Last evaluated 2022-06-10.

Conditions:
Neuronopathy, distal hereditary motor, autosomal recessive 4. Also called: NEUROPATHY, DISTAL HEREDITARY MOTOR, AUTOSOMAL RECESSIVE 4; Autosomal recessive lower motor neuron disease with childhood onset. Identifiers: Orphanet 206580, MedGen C1970211, MONDO:0012608, OMIM 611067.
Charcot-Marie-Tooth disease recessive intermediate C. Also called: CHARCOT-MARIE-TOOTH NEUROPATHY, RECESSIVE INTERMEDIATE C. Identifiers: Orphanet 369867, MedGen C3809309, MONDO:0014154, OMIM 615376.
Inborn genetic diseases. Identifiers: MedGen C0950123, MeSH D030342.

Allele frequency attached by ClinVar (database versions not stated): gnomAD exomes below 0.00001; ExAC 0.00001.
gnomAD v4.1: 5 of 1,610,704 alleles (0.00031%); highest among the groups gnomAD compares: African/African-American, 0.0027%; no homozygotes.

Submissions (2):

Labcorp Genetics (formerly Invitae), Labcorp
Classification: Uncertain significance for Neuronopathy, distal hereditary motor, autosomal recessive 4; Charcot-Marie-Tooth disease recessive intermediate C. Last evaluated: 2022-06-10. Review status: criteria provided, single submitter. Criteria: Invitae Variant Classification Sherloc (09022015). Collection method: clinical testing. Allele origin: germline.
Comment: This sequence change replaces glycine, which is neutral and non-polar, with glutamic acid, which is acidic and polar, at codon 419 of the PLEKHG5 protein (p.Gly419Glu). This variant is present in population databases (rs768648425, gnomAD 0.001%). This variant has not been reported in the literature in individuals affected with PLEKHG5-related conditions. Algorithms developed to predict the effect of missense changes on protein structure and function (SIFT, PolyPhen-2, Align-GVGD) all suggest that this variant is likely to be tolerated. In summary, the available evidence is currently insufficient to determine the role of this variant in disease. Therefore, it has been classified as a Variant of Uncertain Significance.

Ambry Genetics
Classification: Uncertain significance for Inborn genetic diseases. Last evaluated: 2021-01-15. Review status: criteria provided, single submitter. Criteria: Ambry Variant Classification Scheme 2023. Collection method: clinical testing. Allele origin: germline.
Comment: The p.G419E variant (also known as c.1256G>A), located in coding exon 11 of the PLEKHG5 gene, results from a G to A substitution at nucleotide position 1256. The glycine at codon 419 is replaced by glutamic acid, an amino acid with similar properties. This amino acid position is not well conserved in available vertebrate species. In addition, this alteration is predicted to be tolerated by in silico analysis. Since supporting evidence is limited at this time, the clinical significance of this alteration remains unclear.